The following is an entry in ClinVar:

NM_152703.5(SAMD9L):c.4183C>T (p.Pro1395Ser)

Gene: SAMD9L (sterile alpha motif domain containing 9 like; minus strand). Cytogenetic location: 7q21.2.
Variant type: single nucleotide variant.
Coding change: c.4183C>T on transcript NM_152703.5 (MANE Select); coding-DNA position 4183, C replaced by T.
Protein change: p.Pro1395Ser; replaces proline 1395 with serine.
Molecular consequence: missense variant.
Genome position (GRCh38, 1-based): chr7:93,131,789, G>A on the plus strand (C>T on the coding strand, the complement: SAMD9L is on the minus strand). VCF-style: chr7-93131789-G-A. GRCh37 (hg19) VCF-style: chr7-92761102-G-A.
Other names: c.4183C>T, p.Pro1395Ser (NM_001303496.3, NM_001303497.3, NM_001303498.3 and 5 more transcripts); c.4183C>T (NM_152703.2, NM_152703.3); short protein forms P1395S.
Identifiers: ClinVar variation 2852863 (VCV002852863.5), dbSNP rs571871712, ClinGen allele CA4343349.

ClinVar aggregate classification (germline): Uncertain significance. Review status: criteria provided, multiple submitters, no conflicts (2 of 4 stars). 3 submissions from 3 submitters: Uncertain significance (3). Last evaluated 2025-06-14.

Conditions:
Inborn genetic diseases. Identifiers: MedGen C0950123, MeSH D030342.

Allele frequency attached by ClinVar (database versions not stated): ExAC 0.00001; 1000 Genomes Project 0.00020; 1000 Genomes Project 30x 0.00016.
gnomAD v4.1: 17 of 1,613,448 alleles (0.0011%); highest among the groups gnomAD compares: Non-Finnish European, 0.0012%; no homozygotes.

Submissions (3):

Labcorp Genetics (formerly Invitae), Labcorp
Classification: Uncertain significance. Last evaluated: 2025-06-14. Review status: criteria provided, single submitter. Criteria: Invitae Variant Classification Sherloc (09022015). Collection method: clinical testing. Allele origin: germline.
Comment: This sequence change replaces proline, which is neutral and non-polar, with serine, which is neutral and polar, at codon 1395 of the SAMD9L protein (p.Pro1395Ser). This variant is present in population databases (rs571871712, gnomAD 0.003%). This variant has not been reported in the literature in individuals affected with SAMD9L-related conditions. ClinVar contains an entry for this variant (Variation ID: 2852863). Invitae Evidence Modeling of protein sequence and biophysical properties (such as structural, functional, and spatial information, amino acid conservation, physicochemical variation, residue mobility, and thermodynamic stability) indicates that this missense variant is expected to disrupt SAMD9L protein function with a positive predictive value of 80%. In summary, the available evidence is currently insufficient to determine the role of this variant in disease. Therefore, it has been classified as a Variant of Uncertain Significance.

Ambry Genetics
Classification: Uncertain significance for Inborn genetic diseases. Last evaluated: 2024-12-12. Review status: criteria provided, single submitter. Criteria: Ambry Variant Classification Scheme 2023. Collection method: clinical testing. Allele origin: germline.
Comment: The p.P1395S variant (also known as c.4183C>T), located in coding exon 1 of the SAMD9L gene, results from a C to T substitution at nucleotide position 4183. The proline at codon 1395 is replaced by serine, an amino acid with similar properties. This amino acid position is conserved. In addition, the in silico prediction for this alteration is inconclusive. Based on the available evidence, the clinical significance of this variant remains unclear.

GeneDx
Classification: Uncertain significance. Last evaluated: 2024-03-28. Review status: criteria provided, single submitter. Criteria: GeneDx Variant Classification Process June 2021. Collection method: clinical testing. Allele origin: germline. Affected: yes.
Comment: Not observed at significant frequency in large population cohorts (gnomAD); In silico analysis supports that this missense variant has a deleterious effect on protein structure/function; Has not been previously published as pathogenic or benign to our knowledge